The following is an entry in ClinVar:

NM_014908.4(DOLK):c.573T>G (p.Pro191=)

Gene: DOLK (dolichol kinase; minus strand). Cytogenetic location: 9q34.11.
Variant type: single nucleotide variant.
Coding change: c.573T>G on transcript NM_014908.4 (MANE Select); coding-DNA position 573, T replaced by G.
Protein change: p.Pro191=; no amino-acid change (proline 191 retained).
Molecular consequence: synonymous variant.
Genome position (GRCh38, 1-based): chr9:128,946,731, A>C on the plus strand (T>G on the coding strand, the complement: DOLK is on the minus strand). VCF-style: chr9-128946731-A-C. GRCh37 (hg19) VCF-style: chr9-131709010-A-C.
Identifiers: ClinVar variation 4084310 (VCV004084310.8).
Genomic context (GRCh38, chr9:128,946,731, plus strand): 5'-GCGCTTGATGAGCTGGTTGAGGACAAAGCTAATGCCACCCAATACCAGCAGTGCCTCACC[A>C]GGGGTGAAGCAGCGGGGCAGCAGGTACAGCAGGATCATGTTGAGATAAACGAAGATCAGA-3'
Protein context (NP_055723.1, residues 181-201): LLYLLPRCFT[Pro191=]GEALLVLGGI

ClinVar aggregate classification (germline): Likely benign (1 of 4 stars; one submission).

Submission:

CeGaT Center for Human Genetics Tuebingen
Classification: Likely benign. Last evaluated: 2026-07-01. Review status: criteria provided, single submitter. Criteria: CeGaT Center For Human Genetics Tuebingen Variant Classification Criteria Version 2. Collection method: clinical testing. Allele origin: germline. Affected: yes. Observed: 2 variant alleles.
Comment: DOLK: PM2:Supporting, BP4, BP7